The following is an entry in ClinVar:

ClinVar aggregate classification (germline): Likely pathogenic (1 of 4 stars; one submission).

Conditions:
ARR3-related disorder. Also called: ARR3-related condition.

Submission:

PreventionGenetics, part of Exact Sciences
Classification: Likely pathogenic for ARR3-related condition. Last evaluated: 2025-04-17. Review status: criteria provided, single submitter. Criteria: ACMG Guidelines, 2015. Collection method: clinical testing. Allele origin: germline.
Comment: The ARR3 c.537dupC variant is predicted to result in a frameshift and premature protein termination (p.Ser180Leufs*54). To our knowledge, this variant has not been reported in the literature. This variant is absent in a large population database (gnomAD), indicating this variant is rare. Frameshift variants in ARR3 are an established mechanism of disease. This variant is interpreted as likely pathogenic.

NM_004312.3(ARR3):c.537dup (p.Ser180fs)

Gene: ARR3 (arrestin 3; plus strand). Cytogenetic location: Xq13.1.
Variant type: Duplication.
Coding change: c.537dup on transcript NM_004312.3 (MANE Select); coding-DNA position 537, one base duplicated (C; older notation c.537dupC).
Protein change: p.Ser180fs; shifts the reading frame from serine 180.
Molecular consequence: frameshift variant.
Genome position (GRCh38, 1-based): chrX:70,277,457, C duplicated; the last of 4 consecutive C bases (chrX:70,277,454-70,277,457); duplicating any one gives the same sequence. VCF-style (leftmost placement, unchanged base first): chrX-70277453-G-GC. GRCh37 (hg19) VCF-style: chrX-69497303-G-GC.
Other names: short protein forms S180fs.
Identifiers: ClinVar variation 5002272 (VCV005002272.1).